The following continues an entry in ClinVar:

NM_004415.4(DSP):c.3805C>T (p.Arg1269Ter)

Gene: DSP. ClinVar aggregate classification (germline): Pathogenic/Likely pathogenic. Pathogenic (12); Likely pathogenic (1).

Submissions 8 to 14 of 14:

Ambry Genetics
Classification: Pathogenic for Cardiovascular phenotype. Last evaluated: 2023-01-26. Review status: criteria provided, single submitter. Criteria: Ambry Variant Classification Scheme 2023. Collection method: clinical testing. Allele origin: germline.
Comment: The p.R1269* pathogenic mutation (also known as c.3805C>T), located in coding exon 23 of the DSP gene, results from a C to T substitution at nucleotide position 3805. This changes the amino acid from an arginine to a stop codon within coding exon 23. This alteration has been reported in a family with features of arrhythmogenic right ventricular cardiomyopathy (ARVC) (Rasmussen TB et al. Clin Genet, 2013 Jul;84:20-30). This alteration has also been reported in sudden cardiac death and dilated cardiomyopathy (DCM) cohorts (Hertz CL et al. Int J Legal Med, 2016 Jan;130:91-102; Janin A et al. Clin Genet, 2017 Dec;92:616-623). This variant is considered to be rare based on population cohorts in the Genome Aggregation Database (gnomAD). Alterations in DSP that result in haploinsufficiency or protein truncation have been reported in patients with arrhythmogenic right ventricular cardiomyopathy (ARVC) and dilated cardiomyopathy (DCM) (Fressart V et al. Europace. 2010;12(6):861-8; Elliott P et al. Circ Cardiovasc Genet. 2010;3(4):314-22; Quarta G et al. Circulation. 2011;123(23):2701-9; Garcia-Pavia P et al. Heart. 2011;97(21):1744-52; Rasmussen TB et al. Clin Genet. 2013;84(1):20-30; Pugh TJ et al. Genet Med. 2014;16(8):601-8). This alteration is expected to result in loss of function by premature protein truncation or nonsense-mediated mRNA decay. As such, this alteration is interpreted as a disease-causing mutation.

CHEO Genetics Diagnostic Laboratory, Children's Hospital of Eastern Ontario
Classification: Pathogenic for Cardiomyopathy. Last evaluated: 2021-11-09. Review status: criteria provided, single submitter. Criteria: ACMG Guidelines, 2015. Collection method: clinical testing. Allele origin: germline.

AiLife Diagnostics
Classification: Pathogenic. Last evaluated: 2021-08-24. Review status: criteria provided, single submitter. Criteria: ACMG Guidelines, 2015. Collection method: clinical testing. Allele origin: germline. Affected: yes. Observed: 1 variant allele.

Blueprint Genetics
Classification: Pathogenic for DSP-related disorders. Last evaluated: 2019-11-28. Review status: criteria provided, single submitter. Criteria: ACMG Guidelines, 2015. Collection method: clinical testing. Allele origin: germline. Affected: yes. Observed: 1 variant allele.

Human Genome Sequencing Center Clinical Lab, Baylor College of Medicine
Classification: Likely pathogenic for Arrhythmogenic right ventricular dysplasia 8. Last evaluated: 2018-01-09. Review status: criteria provided, single submitter. Criteria: ACMG Guidelines, 2015. Collection method: clinical testing. Allele origin: germline.
Comment: This c.3805C>T variant in the DSP gene is predicted to introduce a premature translation termination codon. It has been reported in three individuals in a family with arrhythmogenic right ventricular cardiomyopathy (ARVC; PMID 23137101). Functional analysis in endomyocardial biopsies of the proband indicates that the mutant transcript is likely to be degraded through nonsense-mediated decay and that DSP protein expression levels are decreased (PMID 23137101). This c.3805C>T, p.Arg1269* variant in the DSP gene is classified as likely pathogenic

Juno Genomics, Hangzhou Juno Genomics, Inc
Classification: Pathogenic for Arrhythmogenic right ventricular dysplasia 8; Cardiomyopathy, dilated, with wooly hair, keratoderma, and tooth agenesis. Review status: criteria provided, single submitter. Criteria: ACMG Guidelines, 2015. Collection method: clinical testing. Allele origin: germline.
Comment: Absent from controls (or at extremely low frequency if recessive) in Genome Aggregation Database.;Null variant in a gene where loss of function (LOF) is a known mechanism of disease.;The prevalence of the variant in affected individuals is significantly increased compared to the prevalence in controls.

Biochemical Molecular Genetic Laboratory, King Abdulaziz Medical City
Classification: Likely pathogenic for Arrhythmogenic cardiomyopathy with wooly hair and keratoderma. Last evaluated: 2020-02-05. Review status: no assertion criteria provided. Collection method: clinical testing. Allele origin: germline. Affected: yes. Not counted in ClinVar's aggregate classification.

Literature cited by the submitters: PubMed 29062697 (cited by Victorian Clinical Genetics Services, Murdoch Childrens Research Institute); PubMed 23137101 (cited by 6 submitters); PubMed 26383259 (cited by 3 submitters); PubMed 36580316 (cited by Victorian Clinical Genetics Services, Murdoch Childrens Research Institute); PubMed 20716751 (cited by Labcorp Genetics (formerly Invitae), Labcorp); PubMed 24503780 (cited by Labcorp Genetics (formerly Invitae), Labcorp); PubMed 25227139 (cited by Labcorp Genetics (formerly Invitae), Labcorp); PubMed 30398466 (cited by Labcorp Genetics (formerly Invitae), Labcorp); PubMed 24704780 (cited by Women's Health and Genetics/Laboratory Corporation of America, LabCorp and Ambry Genetics); PubMed 28436997 (cited by Color Diagnostics, LLC DBA Color Health and Ambry Genetics); PubMed 34930020 (cited by Color Diagnostics, LLC DBA Color Health); PubMed 31402444 (cited by Ambry Genetics and AiLife Diagnostics); PubMed 31447099 (cited by AiLife Diagnostics).